The following is an entry in ClinVar:

ClinVar aggregate classification (germline): Uncertain significance (1 of 4 stars; one submission).

Conditions:
Combined immunodeficiency due to DOCK8 deficiency (HIES2). Also called: HIES autosomal recessive; DOCK8 Deficiency; HYPER-IgE SYNDROME 2, AUTOSOMAL RECESSIVE, WITH RECURRENT INFECTIONS; Hyper-IgE recurrent infection syndrome, autosomal recessive; HYPER-IgE RECURRENT INFECTION SYNDROME 2, AUTOSOMAL RECESSIVE. Identifiers: Orphanet 217390, MedGen C4722305, MONDO:0009478, OMIM 243700.

Submission:

Labcorp Genetics (formerly Invitae), Labcorp
Classification: Uncertain significance for Combined immunodeficiency due to DOCK8 deficiency. Last evaluated: 2024-02-28. Review status: criteria provided, single submitter. Criteria: Invitae Variant Classification Sherloc (09022015). Collection method: clinical testing. Allele origin: germline.
Comment: This sequence change replaces cysteine, which is neutral and slightly polar, with tryptophan, which is neutral and slightly polar, at codon 1135 of the DOCK8 protein (p.Cys1135Trp). This variant is not present in population databases (gnomAD no frequency). This variant has not been reported in the literature in individuals affected with DOCK8-related conditions. ClinVar contains an entry for this variant (Variation ID: 1053861). Advanced modeling of protein sequence and biophysical properties (such as structural, functional, and spatial information, amino acid conservation, physicochemical variation, residue mobility, and thermodynamic stability) performed at Invitae indicates that this missense variant is not expected to disrupt DOCK8 protein function with a negative predictive value of 80%. In summary, the available evidence is currently insufficient to determine the role of this variant in disease. Therefore, it has been classified as a Variant of Uncertain Significance.

NM_203447.4(DOCK8):c.3405C>G (p.Cys1135Trp)

Gene: DOCK8 (dedicator of cytokinesis 8; plus strand). Cytogenetic location: 9p24.3.
Variant type: single nucleotide variant.
Coding change: c.3405C>G on transcript NM_203447.4 (MANE Select); coding-DNA position 3405, C replaced by G.
Protein change: p.Cys1135Trp; replaces cysteine 1135 with tryptophan.
Molecular consequence: missense variant.
Genome position (GRCh38, 1-based): chr9:406,944, C>G. VCF-style: chr9-406944-C-G. GRCh37 (hg19) VCF-style: chr9-406944-C-G.
Other names: c.3105C>G, p.Cys1035Trp (NM_001190458.2); c.3201C>G, p.Cys1067Trp (NM_001193536.2); short protein forms C1035W, C1067W, C1135W.
Identifiers: ClinVar variation 1053861 (VCV001053861.6), dbSNP rs547879648, ClinGen allele CA372758331.
Genomic context (GRCh38, chr9:406,944, plus strand): 5'-ATTCCAGTTCTTGTGGCTCATAAAATGGCTCCTTACGTTTCTGTAGAACTCAAGCTCCTG[C>G]TCCAGCTTCCAGGACCAGAAGATCGCCAGCATGTTCGATCTGACTTCCGAGTACCGCCAG-3'
Protein context (NP_982272.2, residues 1125-1145): PSISSQNSSS[Cys1135Trp]SSFQDQKIAS